The following is an entry in ClinVar:

ClinVar aggregate classification (germline): Uncertain significance (1 of 4 stars; one submission).

Conditions:
Long QT syndrome (LQTS). Identifiers: MedGen C0023976, MeSH D008133, MONDO:0002442. Disease mechanism: loss of function. Inheritance: Various modes of inheritance.

Submission:

Labcorp Genetics (formerly Invitae), Labcorp
Classification: Uncertain significance for Long QT syndrome. Last evaluated: 2025-07-27. Review status: criteria provided, single submitter. Criteria: Invitae Variant Classification Sherloc (09022015). Collection method: clinical testing. Allele origin: germline.
Comment: This sequence change replaces proline, which is neutral and non-polar, with threonine, which is neutral and polar, at codon 1930 of the ANK2 protein (p.Pro1930Thr). This variant is not present in population databases (gnomAD no frequency). This variant has not been reported in the literature in individuals affected with ANK2-related conditions. An algorithm developed to predict the effect of missense changes on protein structure and function (PolyPhen-2) suggests that this variant is likely to be disruptive. In summary, the available evidence is currently insufficient to determine the role of this variant in disease. Therefore, it has been classified as a Variant of Uncertain Significance.

NM_001148.6(ANK2):c.5788C>A (p.Pro1930Thr)

Genes: ANK2 (ankyrin 2; plus strand), LOC126807136 (MED14-independent group 3 enhancer GRCh37_chr4:114274931-114276130; plus strand). Cytogenetic location: 4q26.
Variant type: single nucleotide variant.
Coding change: c.5788C>A on transcript NM_001148.6 (MANE Select); coding-DNA position 5788, C replaced by A.
Protein change: p.Pro1930Thr; replaces proline 1930 with threonine.
Molecular consequence: missense variant. On other transcripts: intron variant (68).
Genome position (GRCh38, 1-based): chr4:113,354,406, C>A. VCF-style: chr4-113354406-C-A. GRCh37 (hg19) VCF-style: chr4-114275562-C-A.
Other names: c.5554C>A, p.Pro1852Thr (NM_001386142.1); c.2188C>A, p.Pro730Thr (NM_001386166.1); c.5929C>A, p.Pro1977Thr (NM_001386174.1); c.5905C>A, p.Pro1969Thr (NM_001386175.1); c.4411+4157C>A (NM_001386186.2, NM_001386148.2); c.4213+4157C>A (NM_001354269.3); c.4291+4157C>A (NM_001386187.2); c.4252+4157C>A (NM_001386147.1); and 35 more; short protein forms P1969T, P730T, P1852T, P1930T, P1977T.
Identifiers: ClinVar variation 4724071 (VCV004724071.1).